The following is an entry in ClinVar:

NM_005609.4(PYGM):c.1223dup (p.Asn408fs)

Gene: PYGM (glycogen phosphorylase, muscle associated; minus strand). Cytogenetic location: 11q13.1.
Variant type: Duplication.
Coding change: c.1223dup on transcript NM_005609.4 (MANE Select); coding-DNA position 1223, one base duplicated (A; older notation c.1223dupA).
Protein change: p.Asn408fs; shifts the reading frame from asparagine 408.
Molecular consequence: frameshift variant.
Genome position (GRCh38, 1-based): chr11:64,753,895, T duplicated on the plus strand (A on the coding strand, the reverse complement: PYGM is on the minus strand); the first of 2 consecutive T bases (chr11:64,753,895-64,753,896); duplicating either gives the same sequence. VCF-style (leftmost placement, unchanged base first): chr11-64753894-G-GT. GRCh37 (hg19) VCF-style: chr11-64521366-G-GT.
Other names: c.959dup, p.Asn320fs (NM_001164716.1); short protein forms N320fs, N408fs.
Identifiers: ClinVar variation 5015640 (VCV005015640.1).
Genomic context (GRCh38, chr11:64,753,894, plus strand): 5'-TGTCCCCCCTCACCCCCACACCATCCCCCAAGCCTCCGGACTCACGTTGAGGAAGCGCTG[G>GT]TTGATCTCGTAGATGATCTGGAGGTGCCGCGGCAGCAGCGTCTCCAAGAGGTGCACCGGC-3'

ClinVar aggregate classification (germline): Pathogenic (1 of 4 stars; one submission).

Conditions:
Glycogen storage disease, type V (GSD5). Also called: MCARDLE DISEASE; MUSCLE GLYCOGEN PHOSPHORYLASE DEFICIENCY; MYOPHOSPHORYLASE DEFICIENCY; PYGM DEFICIENCY; McArdle type glycogen storage disease. Identifiers: Orphanet 368, MedGen C0017924, MONDO:0009293, OMIM 232600.

Submission:

Myriad Genetics, Inc.
Classification: Pathogenic for Glycogen storage disease, type V. Last evaluated: 2026-03-04. Review status: criteria provided, single submitter. Criteria: Myriad Autosomal Dominant, Autosomal Recessive and X-Linked Classification Criteria (2023). Collection method: clinical testing. Allele origin: unknown.
Comment: NM_005609.2(PYGM):c.1223dupA(N408Kfs*67) is expected to be pathogenic in the context of glycogen storage disease, PYGM-related. This variant is predicted to lead to an abnormal or absent protein product due to the creation of a premature termination codon in PYGM, a gene where loss-of-function variants are known to be pathogenic. Please note: this variant was assessed in the context of healthy population screening.